The following is an entry in ClinVar:

ClinVar aggregate classification (germline): Uncertain significance. Review status: criteria provided, multiple submitters, no conflicts (2 of 4 stars). 2 submissions from 2 submitters: Uncertain significance (2). Last evaluated 2025-06-25.

Allele frequency attached by ClinVar (database versions not stated): ExAC 0.00006; gnomAD 0.00006 and 0.00008; gnomAD exomes 0.00007 and 0.00011; ESP Exome Variant Server 0.00008; TOPMed 0.00008.
gnomAD v4.1: 172 of 1,613,886 alleles (0.011%); highest among the groups gnomAD compares: Non-Finnish European, 0.013%; no homozygotes.

Submissions (2):

Ambry Genetics
Classification: Uncertain significance. Last evaluated: 2025-06-25. Review status: criteria provided, single submitter. Criteria: Ambry Variant Classification Scheme 2023. Collection method: clinical testing. Allele origin: germline.

Genetic Services Laboratory, University of Chicago
Classification: Uncertain significance. Last evaluated: 2021-06-18. Review status: criteria provided, single submitter. Criteria: ACMG Guidelines, 2015. Collection method: clinical testing. Allele origin: germline. Affected: no.
Comment: DNA sequence analysis of the RBBP6 gene demonstrated a sequence change, c.2665C>A, in exon 17 that results in an amino acid change, p.His889Asn. This sequence change has been described in the gnomAD database with frequency of 0.013% in the non-Finnish European subpopulation (dbSNP rs367857102). The p.His889Asn change affects a highly conserved amino acid residue located in a domain of the RBBP6 protein that is not known to be functional. In-silico pathogenicity prediction tools (SIFT, PolyPhen2, Align GVGD, REVEL) provide contradictory results for the p.His889Asn substitution. This sequence change does not appear to have been previously described in patients with RBBP6-related disorders. Due to insufficient evidences and the lack of functional studies, the clinical significance of the p.His889Asn change remains unknown at this time.

NM_006910.5(RBBP6):c.2665C>A (p.His889Asn)

Gene: RBBP6 (RB binding protein 6, ubiquitin ligase; plus strand). Cytogenetic location: 16p12.1.
Variant type: single nucleotide variant.
Coding change: c.2665C>A on transcript NM_006910.5 (MANE Select); coding-DNA position 2665, C replaced by A.
Protein change: p.His889Asn; replaces histidine 889 with asparagine.
Molecular consequence: missense variant.
Genome position (GRCh38, 1-based): chr16:24,569,355, C>A. VCF-style: chr16-24569355-C-A. GRCh37 (hg19) VCF-style: chr16-24580676-C-A.
Other names: c.2563C>A, p.His855Asn (NM_018703.4); short protein forms H855N, H889N.
Identifiers: ClinVar variation 1337119 (VCV001337119.5), dbSNP rs367857102, ClinGen allele CA7967637.
Genomic context (GRCh38, chr16:24,569,355, plus strand): 5'-AACATCAGGAATTCTCCCTTCACAAGAGGCCGCAGAGAAGACTATGTTGGTGGGCAAAGT[C>A]ATAGAAGTCGAAACATAGGTAGCAACTATCCAGAAAAGCTTTCAGCAAGAGATGGTCACA-3'
Protein context (NP_008841.2, residues 879-899): RREDYVGGQS[His889Asn]RSRNIGSNYP